The following is an entry in ClinVar:

GRCh37/hg19 4p16.3-16.1(chr4:68345-6984507)x1

Genes: ADD1 (adducin 1; plus strand), ADRA2C (adrenoceptor alpha 2C; plus strand), ASPNAT (aspartate N-acetyltransferase; plus strand), ATP5ME (ATP synthase membrane subunit e; minus strand), BLOC1S4 (biogenesis of lysosomal organelles complex 1 subunit 4; plus strand) and 73 more. Cytogenetic location: 4p16.3-16.1.
Variant type: copy number loss.
Change: copy number 1 (one copy instead of two) of chr4:68,345-6,984,507 (6.92 Mb, GRCh37 coordinates, 1-based), cytogenetic band 4p16.3-16.1.
Identifiers: ClinVar variation 814523 (VCV000814523.2).

ClinVar aggregate classification (germline): Pathogenic (0 of 4 stars; one submission).

Submission:

Quest Diagnostics Nichols Institute San Juan Capistrano
Classification: Pathogenic. Last evaluated: 2021-05-01. Review status: no assertion criteria provided. Collection method: clinical testing. Allele origin: germline.
Comment: The terminal deletion of the short arm of chromosome 4 is consistent with Wolf-Hirschhorn syndrome (WHS), a contiguous gene deletion syndrome (OMIM 194190) characterized by typical craniofacial features in infancy consisting of "Greek warrior helmet" appearance of the nose, microcephaly, high anterior hairline with prominent glabella, widely spaced eyes, epicanthus, highly arched eyebrows, short philtrum, downturned corners of the mouth, micrognathia, and poorly formed ears with pits/tags. All affected individuals have prenatal-onset growth deficiency followed by postnatal growth retardation and hypotonia with muscle underdevelopment. Developmental delay/intellectual disability of variable degree is present in all. Seizures occur in 90% to 100% of children with WHS. Other findings include skeletal anomalies (60%-70%), congenital heart defects (~50%), hearing loss (mostly conductive) (40%), urinary tract malformations (25%), and structural brain abnormalities (33%). Although WHSC1/NSD2 and LETM1 are typically deleted in WHS, deletion of additional genes is likely required for the full expression of the phenotype (Battaglia et al., GeneReviews. Available from an online resource; Paradowska-Stolarz Adv Clin Exp Med. 2014 May-Jun;23(3):485-9. PMID: 24979523).